The following is an entry in ClinVar:

ClinVar aggregate classification (germline): Likely benign (1 of 4 stars; one submission).

Conditions:
PLXNA3-related disorder. Also called: PLXNA3-related condition.

Submission:

PreventionGenetics, part of Exact Sciences
Classification: Likely benign for PLXNA3-related condition. Last evaluated: 2026-08-07. Review status: criteria provided, single submitter. Criteria: ACMG Guidelines, 2015. Collection method: clinical testing. Allele origin: germline.
Comment: This variant is classified as likely benign based on ACMG/AMP sequence variant interpretation guidelines (Richards et al. 2015 PMID: 25741868, with internal and published modifications).

NM_017514.5(PLXNA3):c.372T>C (p.Arg124=)

Gene: PLXNA3 (plexin A3; plus strand). Cytogenetic location: Xq28.
Variant type: single nucleotide variant.
Coding change: c.372T>C on transcript NM_017514.5 (MANE Select); coding-DNA position 372, T replaced by C.
Protein change: p.Arg124=; no amino-acid change (arginine 124 retained).
Molecular consequence: synonymous variant.
Genome position (GRCh38, 1-based): chrX:154,460,555, T>C. VCF-style: chrX-154460555-T-C. GRCh37 (hg19) VCF-style: chrX-153688895-T-C.
Identifiers: ClinVar variation 4988336 (VCV004988336.1).